The following is an entry in ClinVar:

NM_001558.4(IL10RA):c.1309G>A (p.Asp437Asn)

Gene: IL10RA (interleukin 10 receptor subunit alpha; plus strand). Cytogenetic location: 11q23.3.
Variant type: single nucleotide variant.
Coding change: c.1309G>A on transcript NM_001558.4 (MANE Select); coding-DNA position 1309, G replaced by A.
Protein change: p.Asp437Asn; replaces aspartic acid 437 with asparagine.
Molecular consequence: missense variant. On other transcripts: non-coding transcript variant (1).
Genome position (GRCh38, 1-based): chr11:117,999,213, G>A. VCF-style: chr11-117999213-G-A. GRCh37 (hg19) VCF-style: chr11-117869928-G-A.
Other names: short protein forms D437N.
Identifiers: ClinVar variation 1379259 (VCV001379259.3), dbSNP rs199688187, ClinGen allele CA229449268.
Genomic context (GRCh38, chr11:117,999,213, plus strand): 5'-CAGGGTGGCTCGGCCTTGGGCCACCACAGTCCCCCGGAGCCTGAGGTGCCTGGGGAAGAA[G>A]ACCCAGCTGCTGTGGCATTCCAGGGTTACCTGAGGCAGACCAGATGTGCTGAAGAGAAGG-3'
Protein context (NP_001549.2, residues 427-447): PPEPEVPGEE[Asp437Asn]PAAVAFQGYL

ClinVar aggregate classification (germline): Uncertain significance (1 of 4 stars; one submission).

Conditions:
Inflammatory bowel disease 28. Also called: Inflammatory bowel disease 28, early onset, autosomal recessive. Identifiers: Orphanet 238569, MedGen C2751053, MONDO:0013153, OMIM 613148.

Allele frequency attached by ClinVar (database versions not stated): gnomAD exomes below 0.00001 and 0.00001.

Submission:

Labcorp Genetics (formerly Invitae), Labcorp
Classification: Uncertain significance for Inflammatory bowel disease 28. Last evaluated: 2021-11-06. Review status: criteria provided, single submitter. Criteria: Invitae Variant Classification Sherloc (09022015). Collection method: clinical testing. Allele origin: germline.
Comment: This sequence change replaces aspartic acid, which is acidic and polar, with asparagine, which is neutral and polar, at codon 437 of the IL10RA protein (p.Asp437Asn). This variant is not present in population databases (gnomAD no frequency). This variant has not been reported in the literature in individuals affected with IL10RA-related conditions. Algorithms developed to predict the effect of missense changes on protein structure and function output the following: SIFT: "Tolerated"; PolyPhen-2: "Benign"; Align-GVGD: "Class C0". The asparagine amino acid residue is found in multiple mammalian species, which suggests that this missense change does not adversely affect protein function. In summary, the available evidence is currently insufficient to determine the role of this variant in disease. Therefore, it has been classified as a Variant of Uncertain Significance.